The following is an entry in ClinVar:

ClinVar aggregate classification (germline): Uncertain significance (1 of 4 stars; one submission).

Submission:

Labcorp Genetics (formerly Invitae), Labcorp
Classification: Uncertain significance. Last evaluated: 2024-01-22. Review status: criteria provided, single submitter. Criteria: Invitae Variant Classification Sherloc (09022015). Collection method: clinical testing. Allele origin: germline.
Comment: This variant is a gross deletion of the genomic region encompassing exon(s) 5-9 of the KRT6C gene, which includes the termination codon. This deletion extends beyond the assayed region for this gene and therefore may encompass additional genes. While this deletion is not anticipated to lead to nonsense mediated decay, it is expected to alter mRNA translation or result in a truncated protein product. This variant has not been reported in the literature in individuals affected with KRT6C-related conditions. Experimental studies and prediction algorithms are not available or were not evaluated, and the functional significance of this variant is currently unknown. In summary, the available evidence is currently insufficient to determine the role of this variant in disease. Therefore, it has been classified as a Variant of Uncertain Significance.

NC_000012.11:g.(?_52862846)_(52865100_?)del

Gene: KRT6C (keratin 6C; minus strand). Cytogenetic location: 12q13.13.
Variant type: Deletion.
Identifiers: ClinVar variation 2427499 (VCV002427499.4).